The following is an entry in ClinVar:

ClinVar aggregate classification (germline): Conflicting classifications of pathogenicity. Review status: criteria provided, conflicting classifications (1 of 4 stars). 3 submissions from 3 submitters: Uncertain significance (2); Likely benign (1). Last evaluated 2026-08-06.

Conditions:
Primary ciliary dyskinesia. Also called: Ciliary dyskinesia. Identifiers: Orphanet 244, MedGen C0008780, MONDO:0016575, HP:0012265.
RPGR-related disorder. Also called: RPGR-related condition.

Submissions (3):

PreventionGenetics, part of Exact Sciences
Classification: Likely benign for RPGR-related condition. Last evaluated: 2026-08-06. Review status: criteria provided, single submitter. Criteria: ACMG Guidelines, 2015. Collection method: clinical testing. Allele origin: germline.
Comment: This variant is classified as likely benign based on ACMG/AMP sequence variant interpretation guidelines (Richards et al. 2015 PMID: 25741868, with internal and published modifications).

Labcorp Genetics (formerly Invitae), Labcorp
Classification: Uncertain significance for Primary ciliary dyskinesia. Last evaluated: 2025-01-13. Review status: criteria provided, single submitter. Criteria: Invitae Variant Classification Sherloc (09022015). Collection method: clinical testing. Allele origin: germline.
Comment: This variant, c.2863_2889dup, results in the insertion of 9 amino acid(s) of the RPGR (ORF15) protein (p.Trp955_Glu963dup), but otherwise preserves the integrity of the reading frame. The frequency data for this variant in the population databases is considered unreliable, as metrics indicate poor data quality at this position in the gnomAD database. This variant has not been reported in the literature in individuals affected with RPGR (ORF15)-related conditions. ClinVar contains an entry for this variant (Variation ID: 2054082). Experimental studies and prediction algorithms are not available or were not evaluated, and the functional significance of this variant is currently unknown. In summary, the available evidence is currently insufficient to determine the role of this variant in disease. Therefore, it has been classified as a Variant of Uncertain Significance.

Blueprint Genetics
Classification: Uncertain significance. Last evaluated: 2024-09-17. Review status: criteria provided, single submitter. Criteria: ACMG Guidelines, 2015. Collection method: clinical testing. Allele origin: germline.

NM_001034853.2(RPGR):c.2863_2889dup (p.Glu963_Gly964insTrpGluGlyGluGluGluGluGlyGlu)

Gene: RPGR (retinitis pigmentosa GTPase regulator; minus strand). Cytogenetic location: Xp11.4.
Variant type: Duplication.
Coding change: c.2863_2889dup on transcript NM_001034853.2 (MANE Select); coding-DNA positions 2863 to 2889, 27 bases duplicated (TGGGAGGGGGAAGAGGAGGAAGGAGAA).
Protein change: p.Glu963_Gly964insTrpGluGlyGluGluGluGluGlyGlu.
Molecular consequence: inframe insertion. On other transcripts: intron variant (8).
Genome position (GRCh38, 1-based): chrX:38,286,110-38,286,136, TTCTCCTTCCTCCTCTTCCCCCTCCCA duplicated on the plus strand (TGGGAGGGGGAAGAGGAGGAAGGAGAA on the coding strand, the reverse complement: RPGR is on the minus strand); duplicating any 27 consecutive bases within chrX:38,286,110-38,286,162 gives the same sequence; the c. name uses the placement nearest the transcript's 3' end. VCF-style (leftmost placement, unchanged base first): chrX-38286109-C-CTTCTCCTTCCTCCTCTTCCCCCTCCCA. GRCh37 (hg19) VCF-style: chrX-38145362-C-CTTCTCCTTCCTCCTCTTCCCCCTCCCA.
Other names: c.1569+4823_1569+4849dup (NM_001367249.1, NM_001367250.1); c.1902+958_1902+984dup (NM_001367245.1); c.1386+4823_1386+4849dup (NM_001367251.1); c.1719+958_1719+984dup (NM_001367246.1); c.1572+4823_1572+4849dup (NM_001367247.1); c.1905+958_1905+984dup (NM_000328.3); c.1602+4823_1602+4849dup (NM_001367248.1); c.2863_2889dup27 (NM_001034853.1).
Identifiers: ClinVar variation 2054082 (VCV002054082.6), dbSNP rs1223013740, ClinGen allele CA640957130.
Genomic context (GRCh38, chrX:38,286,109, plus strand): 5'-CCTCTTCCCCCTCCCCTTCTCCTTCCTCCCCTTCCCCTTCTCCTTCCTCTTCCCCCTCCC[C>CTTCTCCTTCCTCCTCTTCCCCCTCCCA]TTCTCCTTCCTCCTCTTCCCCCTCCCATTCTCCTTCCTCCTCTTCCCCCTCCCCTTCTCC-3'